The following is an entry in ClinVar:

ClinVar aggregate classification (germline): Uncertain significance. Review status: criteria provided, multiple submitters, no conflicts (2 of 4 stars). 3 submissions from 3 submitters: Uncertain significance (3). Last evaluated 2025-09-28.

Conditions:
Inborn genetic diseases. Identifiers: MedGen C0950123, MeSH D030342.

gnomAD v4.1: 2 of 1,612,506 alleles (0.00012%); highest among the groups gnomAD compares: African/African-American, 0.0027%; no homozygotes.

Submissions (3):

Ambry Genetics
Classification: Uncertain significance for Inborn genetic diseases. Last evaluated: 2025-09-28. Review status: criteria provided, single submitter. Criteria: Ambry Variant Classification Scheme 2023. Collection method: clinical testing. Allele origin: germline.
Comment: The p.I821L variant (also known as c.2461A>T), located in coding exon 14 of the FANCM gene, results from an A to T substitution at nucleotide position 2461. The isoleucine at codon 821 is replaced by leucine, an amino acid with highly similar properties. This amino acid position is conserved. In addition, this alteration is predicted to be tolerated by in silico analysis. Based on the available evidence, the clinical significance of this variant remains unclear.

Quest Diagnostics Nichols Institute San Juan Capistrano
Classification: Uncertain significance. Last evaluated: 2024-05-15. Review status: criteria provided, single submitter. Criteria: Quest Diagnostics criteria. Collection method: clinical testing. Allele origin: unknown.
Comment: The FANCM c.2461A>T (p.Ile821Leu) variant has not been reported in individuals with FANCM-related conditions in the published literature. The frequency of this variant in the general population, 0.000008 (2/250272 chromosomes (Genome Aggregation Database)), is uninformative in the assessment of its pathogenicity. Analysis of this variant using bioinformatics tools for the prediction of the effect of amino acid changes on protein structure and function yielded predictions that this variant is benign. Based on the available information, we are unable to determine the clinical significance of this variant.

GeneDx
Classification: Uncertain significance. Last evaluated: 2023-05-25. Review status: criteria provided, single submitter. Criteria: GeneDx Variant Classification Process June 2021. Collection method: clinical testing. Allele origin: germline. Affected: yes.
Comment: Not observed at significant frequency in large population cohorts (gnomAD); In silico analysis supports that this missense variant does not alter protein structure/function; Has not been previously published as pathogenic or benign to our knowledge

NM_020937.4(FANCM):c.2461A>T (p.Ile821Leu)

Gene: FANCM (FA complementation group M; plus strand). Cytogenetic location: 14q21.2.
Variant type: single nucleotide variant.
Coding change: c.2461A>T on transcript NM_020937.4 (MANE Select); coding-DNA position 2461, A replaced by T.
Protein change: p.Ile821Leu; replaces isoleucine 821 with leucine.
Molecular consequence: missense variant.
Genome position (GRCh38, 1-based): chr14:45,175,215, A>T. VCF-style: chr14-45175215-A-T. GRCh37 (hg19) VCF-style: chr14-45644418-A-T.
Other names: c.2383A>T, p.Ile795Leu (NM_001308133.2); short protein forms I795L, I821L.
Identifiers: ClinVar variation 3362115 (VCV003362115.3).